The following is an entry in ClinVar:

ClinVar aggregate classification (germline): Likely benign (0 of 4 stars; one submission).

Conditions:
JPH3-related disorder. Also called: JPH3-related condition.

Allele frequency attached by ClinVar (database versions not stated): gnomAD exomes below 0.00001; TOPMed below 0.00001; ExAC 0.00001; gnomAD 0.00001.
gnomAD v4.1: 6 of 1,612,398 alleles (0.00037%); highest among the groups gnomAD compares: Middle Eastern, 0.033%; no homozygotes.

Submission:

PreventionGenetics, part of Exact Sciences
Classification: Likely benign for JPH3-related condition. Last evaluated: 2019-06-04. Review status: no assertion criteria provided. Collection method: clinical testing. Allele origin: germline.
Comment: This variant is classified as likely benign based on ACMG/AMP sequence variant interpretation guidelines (Richards et al. 2015 PMID: 25741868, with internal and published modifications).

NM_020655.4(JPH3):c.531G>A (p.Leu177=)

Gene: JPH3 (junctophilin 3; plus strand). Cytogenetic location: 16q24.2.
Variant type: single nucleotide variant.
Coding change: c.531G>A on transcript NM_020655.4 (MANE Select); coding-DNA position 531, G replaced by A.
Protein change: p.Leu177=; no amino-acid change (leucine 177 retained).
Molecular consequence: synonymous variant. On other transcripts: non-coding transcript variant (1).
Genome position (GRCh38, 1-based): chr16:87,644,406, G>A. VCF-style: chr16-87644406-G-A. GRCh37 (hg19) VCF-style: chr16-87678012-G-A.
Identifiers: ClinVar variation 3043900 (VCV003043900.2), dbSNP rs749947688, ClinGen allele CA8220738.